The following is an entry in ClinVar:

ClinVar aggregate classification (germline): Uncertain significance (1 of 4 stars; one submission).

gnomAD v4.1: 7 of 1,605,394 alleles (0.00044%); highest among the groups gnomAD compares: African/African-American, 0.0067%; no homozygotes.

Submission:

GeneDx
Classification: Uncertain significance. Last evaluated: 2019-08-05. Review status: criteria provided, single submitter. Criteria: GeneDx Variant Classification Process June 2021. Collection method: clinical testing. Allele origin: germline. Affected: yes.
Comment: In silico analysis, which includes protein predictors and evolutionary conservation, supports that this variant does not alter protein structure/function; Has not been previously published as pathogenic or benign to our knowledge

NM_014336.5(AIPL1):c.1126C>G (p.Pro376Ala)

Gene: AIPL1 (aryl hydrocarbon receptor interacting protein like 1; minus strand). Cytogenetic location: 17p13.2.
Variant type: single nucleotide variant.
Coding change: c.1126C>G on transcript NM_014336.5 (MANE Select); coding-DNA position 1126, C replaced by G.
Protein change: p.Pro376Ala; replaces proline 376 with alanine.
Molecular consequence: missense variant. On other transcripts: 3 prime UTR variant (1).
Genome position (GRCh38, 1-based): chr17:6,425,489, G>C on the plus strand (C>G on the coding strand, the complement: AIPL1 is on the minus strand). VCF-style: chr17-6425489-G-C. GRCh37 (hg19) VCF-style: chr17-6328809-G-C.
Other names: c.937C>G, p.Pro313Ala (NM_001033054.3); c.946C>G, p.Pro316Ala (NM_001033055.3); c.1090C>G, p.Pro364Ala (NM_001285399.3); c.1060C>G, p.Pro354Ala (NM_001285400.3); c.1054C>G, p.Pro352Ala (NM_001285401.3); c.1009C>G, p.Pro337Ala (NM_001285402.2); c.*1097C>G (NM_001285403.4); short protein forms P313A, P316A, P337A, P352A, P354A, P364A, P376A.
Identifiers: ClinVar variation 1307451 (VCV001307451.2), dbSNP rs61757484, ClinGen allele CA397394213.